The following is an entry in ClinVar:

NM_006389.5(HYOU1):c.1602C>T (p.Tyr534=)

Gene: HYOU1 (hypoxia up-regulated 1; minus strand). Cytogenetic location: 11q23.3.
Variant type: single nucleotide variant.
Coding change: c.1602C>T on transcript NM_006389.5 (MANE Select); coding-DNA position 1602, C replaced by T.
Protein change: p.Tyr534=; no amino-acid change (tyrosine 534 retained).
Molecular consequence: synonymous variant.
Genome position (GRCh38, 1-based): chr11:119,051,098, G>A on the plus strand (C>T on the coding strand, the complement: HYOU1 is on the minus strand). VCF-style: chr11-119051098-G-A. GRCh37 (hg19) VCF-style: chr11-118921810-G-A.
Other names: c.1602C>T, p.Tyr534= (NM_001130991.3, NM_001411041.1).
Identifiers: ClinVar variation 2984554 (VCV002984554.3), dbSNP rs1187598304, ClinGen allele CA672394772.

ClinVar aggregate classification (germline): Uncertain significance (1 of 4 stars; one submission).

Allele frequency attached by ClinVar (database versions not stated): gnomAD exomes 0.00001; TOPMed 0.00001.
gnomAD v4.1: 13 of 1,614,190 alleles (0.00081%); highest among the groups gnomAD compares: East Asian, 0.0045%; no homozygotes.

Submission:

Labcorp Genetics (formerly Invitae), Labcorp
Classification: Uncertain significance. Last evaluated: 2023-09-01. Review status: criteria provided, single submitter. Criteria: Invitae Variant Classification Sherloc (09022015). Collection method: clinical testing. Allele origin: germline.
Comment: Experimental studies and prediction algorithms are not available or were not evaluated, and the effect of this variant on mRNA splicing is currently unknown. This sequence change affects codon 534 of the HYOU1 mRNA. It is a 'silent' change, meaning that it does not change the encoded amino acid sequence of the HYOU1 protein. This variant is present in population databases (no rsID available, gnomAD 0.006%). This variant has not been reported in the literature in individuals affected with HYOU1-related conditions. In summary, the available evidence is currently insufficient to determine the role of this variant in disease. Therefore, it has been classified as a Variant of Uncertain Significance.